The following is an entry in ClinVar:

NM_000081.4(LYST):c.8426A>G (p.Glu2809Gly)

Gene: LYST (lysosomal trafficking regulator; minus strand). Cytogenetic location: 1q42.3.
Variant type: single nucleotide variant.
Coding change: c.8426A>G on transcript NM_000081.4 (MANE Select); coding-DNA position 8426, A replaced by G.
Protein change: p.Glu2809Gly; replaces glutamic acid 2809 with glycine.
Molecular consequence: missense variant.
Genome position (GRCh38, 1-based): chr1:235,734,592, T>C on the plus strand (A>G on the coding strand, the complement: LYST is on the minus strand). VCF-style: chr1-235734592-T-C. GRCh37 (hg19) VCF-style: chr1-235897892-T-C.
Other names: c.8426A>G, p.Glu2809Gly (NM_001301365.1); c.8426A>G (NM_000081.2); short protein forms E2809G.
Identifiers: ClinVar variation 525173 (VCV000525173.9), dbSNP rs143079247, ClinGen allele CA1465857.

ClinVar aggregate classification (germline): Uncertain significance. Review status: criteria provided, multiple submitters, no conflicts (2 of 4 stars). 5 submissions from 5 submitters: Uncertain significance (5). Last evaluated 2025-11-05.

Conditions:
Inborn genetic diseases. Identifiers: MedGen C0950123, MeSH D030342.
Chédiak-Higashi syndrome (CHS). Also called: Chediak-Higashi Syndrome. Identifiers: Orphanet 167, MedGen C0007965, MONDO:0008963, OMIM 214500.

Allele frequency attached by ClinVar (database versions not stated): ExAC 0.00005; gnomAD 0.00005; gnomAD exomes 0.00006; ESP Exome Variant Server 0.00008; 1000 Genomes Project 30x 0.00016; TOPMed 0.00019; 1000 Genomes Project 0.00020.
gnomAD v4.1: 105 of 1,613,326 alleles (0.0065%); highest among the groups gnomAD compares: Non-Finnish European, 0.0072%; no homozygotes.

Submissions (5):

Women's Health and Genetics/Laboratory Corporation of America, LabCorp
Classification: Uncertain significance. Last evaluated: 2025-11-05. Review status: criteria provided, single submitter. Criteria: LabCorp Variant Classification Summary - May 2015. Collection method: clinical testing. Allele origin: germline.
Comment: Variant summary: LYST c.8426A>G (p.Glu2809Gly) results in a non-conservative amino acid change in the encoded protein sequence. Algorithms developed to predict the effect of missense changes on protein structure and function are either unavailable or do not agree on the potential impact of this missense change. The variant allele was found at a frequency of 4e-05 in 251248 control chromosomes. This frequency is not significantly higher than estimated for disease-causing variants in LYST, allowing no conclusion about variant significance. To our knowledge, no occurrence of c.8426A>G in individuals affected with LYST-related conditions and no experimental evidence demonstrating its impact on protein function have been reported. ClinVar contains an entry for this variant (Variation ID: 525173). Based on the evidence outlined above, the variant was classified as uncertain significance.

Ambry Genetics
Classification: Uncertain significance for Inborn genetic diseases. Last evaluated: 2025-09-27. Review status: criteria provided, single submitter. Criteria: Ambry Variant Classification Scheme 2023. Collection method: clinical testing. Allele origin: germline.

Blueprint Genetics
Classification: Uncertain significance. Last evaluated: 2023-12-19. Review status: criteria provided, single submitter. Criteria: ACMG Guidelines, 2015. Collection method: clinical testing. Allele origin: germline.

Labcorp Genetics (formerly Invitae), Labcorp
Classification: Uncertain significance for Chédiak-Higashi syndrome. Last evaluated: 2022-08-16. Review status: criteria provided, single submitter. Criteria: Invitae Variant Classification Sherloc (09022015). Collection method: clinical testing. Allele origin: germline.
Comment: This sequence change replaces glutamic acid, which is acidic and polar, with glycine, which is neutral and non-polar, at codon 2809 of the LYST protein (p.Glu2809Gly). This variant is present in population databases (rs143079247, gnomAD 0.007%). This variant has not been reported in the literature in individuals affected with LYST-related conditions. ClinVar contains an entry for this variant (Variation ID: 525173). Algorithms developed to predict the effect of missense changes on protein structure and function are either unavailable or do not agree on the potential impact of this missense change (SIFT: "Deleterious"; PolyPhen-2: "Benign"; Align-GVGD: "Class C0"). In summary, the available evidence is currently insufficient to determine the role of this variant in disease. Therefore, it has been classified as a Variant of Uncertain Significance.

Fulgent Genetics
Classification: Uncertain significance for Chédiak-Higashi syndrome. Last evaluated: 2021-07-12. Review status: criteria provided, single submitter. Criteria: ACMG Guidelines, 2015. Collection method: clinical testing. Allele origin: unknown.